The following is an entry in ClinVar:

ClinVar aggregate classification (germline): Likely benign. Review status: criteria provided, multiple submitters, no conflicts (2 of 4 stars). 2 submissions from 2 submitters: Likely benign (2). Last evaluated 2026-06-23.

Conditions:
CDHR1-related disorder. Also called: CDHR1-related condition.

Allele frequency attached by ClinVar (database versions not stated): TOPMed 0.00003; ExAC 0.00004; gnomAD exomes 0.00004; gnomAD 0.00005 and 0.00006.
gnomAD v4.1: 72 of 1,608,622 alleles (0.0045%); highest among the groups gnomAD compares: Non-Finnish European, 0.0058%; no homozygotes.

Submissions (2):

PreventionGenetics, part of Exact Sciences
Classification: Likely benign for CDHR1-related condition. Last evaluated: 2026-06-23. Review status: criteria provided, single submitter. Criteria: ACMG Guidelines, 2015. Collection method: clinical testing. Allele origin: germline.
Comment: This variant is classified as likely benign based on ACMG/AMP sequence variant interpretation guidelines (Richards et al. 2015 PMID: 25741868, with internal and published modifications).

Labcorp Genetics (formerly Invitae), Labcorp
Classification: Likely benign. Last evaluated: 2023-11-13. Review status: criteria provided, single submitter. Criteria: Invitae Variant Classification Sherloc (09022015). Collection method: clinical testing. Allele origin: germline.

NM_033100.4(CDHR1):c.526-8T>C

Gene: CDHR1 (cadherin related family member 1; plus strand). Cytogenetic location: 10q23.1.
Variant type: single nucleotide variant.
Coding change: c.526-8T>C on transcript NM_033100.4 (MANE Select); 8 bases into the intron before coding-DNA position 526, T replaced by C.
Molecular consequence: intron variant.
Genome position (GRCh38, 1-based): chr10:84,201,799, T>C. VCF-style: chr10-84201799-T-C. GRCh37 (hg19) VCF-style: chr10-85961555-T-C.
Other names: c.526-8T>C (NM_001171971.3).
Identifiers: ClinVar variation 751572 (VCV000751572.9), dbSNP rs780642266, ClinGen allele CA5579577.